The following is an entry in ClinVar:

ClinVar aggregate classification (germline): Uncertain significance (1 of 4 stars; one submission).

Submission:

Labcorp Genetics (formerly Invitae), Labcorp
Classification: Uncertain significance. Last evaluated: 2024-06-30. Review status: criteria provided, single submitter. Criteria: Invitae Variant Classification Sherloc (09022015). Collection method: clinical testing. Allele origin: germline.
Comment: This sequence change replaces valine, which is neutral and non-polar, with leucine, which is neutral and non-polar, at codon 802 of the SAMD9L protein (p.Val802Leu). This variant is not present in population databases (gnomAD no frequency). This variant has not been reported in the literature in individuals affected with SAMD9L-related conditions. Advanced modeling of protein sequence and biophysical properties (such as structural, functional, and spatial information, amino acid conservation, physicochemical variation, residue mobility, and thermodynamic stability) performed at Invitae indicates that this missense variant is not expected to disrupt SAMD9L protein function with a negative predictive value of 80%. In summary, the available evidence is currently insufficient to determine the role of this variant in disease. Therefore, it has been classified as a Variant of Uncertain Significance.

NM_152703.5(SAMD9L):c.2404G>T (p.Val802Leu)

Gene: SAMD9L (sterile alpha motif domain containing 9 like; minus strand). Cytogenetic location: 7q21.2.
Variant type: single nucleotide variant.
Coding change: c.2404G>T on transcript NM_152703.5 (MANE Select); coding-DNA position 2404, G replaced by T.
Protein change: p.Val802Leu; replaces valine 802 with leucine.
Molecular consequence: missense variant.
Genome position (GRCh38, 1-based): chr7:93,133,568, C>A on the plus strand (G>T on the coding strand, the complement: SAMD9L is on the minus strand). VCF-style: chr7-93133568-C-A. GRCh37 (hg19) VCF-style: chr7-92762881-C-A.
Other names: c.2404G>T, p.Val802Leu (NM_001303496.3, NM_001303497.3, NM_001303498.3 and 5 more transcripts); short protein forms V802L.
Identifiers: ClinVar variation 3658323 (VCV003658323.2).